The following is an entry in ClinVar:

NM_032043.3(BRIP1):c.1935+11G>T

Gene: BRIP1 (BRCA1 interacting DNA helicase 1; minus strand). Cytogenetic location: 17q23.2.
Variant type: single nucleotide variant.
Coding change: c.1935+11G>T on transcript NM_032043.3 (MANE Select); 11 bases into the intron after coding-DNA position 1935, G replaced by T.
Molecular consequence: intron variant.
Genome position (GRCh38, 1-based): chr17:61,780,250, C>A on the plus strand (G>T on the coding strand, the complement: BRIP1 is on the minus strand). VCF-style: chr17-61780250-C-A. GRCh37 (hg19) VCF-style: chr17-59857611-C-A.
Identifiers: ClinVar variation 506481 (VCV000506481.9), dbSNP rs79121306, ClinGen allele CA292281877.

ClinVar aggregate classification (germline): Likely benign. Review status: criteria provided, multiple submitters, no conflicts (2 of 4 stars). 2 submissions from 2 submitters: Likely benign (2). Last evaluated 2026-01-28.

Conditions:
Familial cancer of breast. Also called: BREAST CANCER, FAMILIAL; Hereditary breast cancer; hereditary breast carcinoma. Identifiers: Orphanet 227535, MedGen C0346153, MONDO:0016419, OMIM 114480. Disease mechanism: loss of function.
Fanconi anemia complementation group J. Also called: BRIP1-Related Fanconi Anemia. Identifiers: Orphanet 84, MedGen C1836860, MONDO:0012187, OMIM 609054.

Submissions (2):

Labcorp Genetics (formerly Invitae), Labcorp
Classification: Likely benign for Familial cancer of breast; Fanconi anemia complementation group J. Last evaluated: 2026-01-28. Review status: criteria provided, single submitter. Criteria: Invitae Variant Classification Sherloc (09022015). Collection method: clinical testing. Allele origin: germline.

GeneDx
Classification: Likely benign. Last evaluated: 2017-03-24. Review status: criteria provided, single submitter. Criteria: GeneDx Variant Classification (06012015). Collection method: clinical testing. Allele origin: germline. Affected: yes.
Comment: This variant is considered likely benign or benign based on one or more of the following criteria: it is a conservative change, it occurs at a poorly conserved position in the protein, it is predicted to be benign by multiple in silico algorithms, and/or has population frequency not consistent with disease.